The following is an entry in ClinVar:

NM_000135.4(FANCA):c.715G>T (p.Val239Phe)

Gene: FANCA (FA complementation group A; minus strand). Cytogenetic location: 16q24.3.
Variant type: single nucleotide variant.
Coding change: c.715G>T on transcript NM_000135.4 (MANE Select); coding-DNA position 715, G replaced by T.
Protein change: p.Val239Phe; replaces valine 239 with phenylalanine.
Molecular consequence: missense variant.
Genome position (GRCh38, 1-based): chr16:89,803,336, C>A on the plus strand (G>T on the coding strand, the complement: FANCA is on the minus strand). VCF-style: chr16-89803336-C-A. GRCh37 (hg19) VCF-style: chr16-89869744-C-A.
Other names: c.715G>T, p.Val239Phe (NM_001018112.3, NM_001286167.3); c.619G>T, p.Val207Phe (NM_001351830.2); short protein forms V239F, V207F.
Identifiers: ClinVar variation 4022188 (VCV004022188.1).

ClinVar aggregate classification (germline): Uncertain significance (1 of 4 stars; one submission).

Conditions:
Inborn genetic diseases. Identifiers: MedGen C0950123, MeSH D030342.

Submission:

Ambry Genetics
Classification: Uncertain significance for Inborn genetic diseases. Last evaluated: 2025-04-14. Review status: criteria provided, single submitter. Criteria: Ambry Variant Classification Scheme 2023. Collection method: clinical testing. Allele origin: germline.
Comment: The p.V239F variant (also known as c.715G>T), located in coding exon 8 of the FANCA gene, results from a G to T substitution at nucleotide position 715. The valine at codon 239 is replaced by phenylalanine, an amino acid with highly similar properties. This amino acid position is conserved. In addition, this alteration is predicted to be tolerated by in silico analysis. Based on the available evidence, the clinical significance of this variant remains unclear.